The following is an entry in ClinVar:

ClinVar aggregate classification (germline): Uncertain significance. Review status: criteria provided, multiple submitters, no conflicts (2 of 4 stars). 3 submissions from 3 submitters: Uncertain significance (3). Last evaluated 2025-12-23.

Conditions:
Inborn genetic diseases. Identifiers: MedGen C0950123, MeSH D030342.
Congenital factor V deficiency. Also called: LABILE FACTOR DEFICIENCY; OWREN PARAHEMOPHILIA; PARAHEMOPHILIA; Hereditary factor V deficiency disease. Identifiers: Orphanet 326, MedGen C0015499, MONDO:0009210, OMIM 227400.

gnomAD v4.1: 115 of 1,613,840 alleles (0.0071%); highest among the groups gnomAD compares: Non-Finnish European, 0.0088%; no homozygotes.

Submissions (3):

Labcorp Genetics (formerly Invitae), Labcorp
Classification: Uncertain significance for Congenital factor V deficiency. Last evaluated: 2025-12-23. Review status: criteria provided, single submitter. Criteria: Invitae Variant Classification Sherloc (09022015). Collection method: clinical testing. Allele origin: germline.
Comment: This sequence change replaces isoleucine, which is neutral and non-polar, with leucine, which is neutral and non-polar, at codon 1584 of the F5 protein (p.Ile1584Leu). This variant is present in population databases (rs746032307, gnomAD 0.006%). This variant has not been reported in the literature in individuals affected with F5-related conditions. ClinVar contains an entry for this variant (Variation ID: 1742847). Invitae Evidence Modeling of protein sequence and biophysical properties (such as structural, functional, and spatial information, amino acid conservation, physicochemical variation, residue mobility, and thermodynamic stability) indicates that this missense variant is expected to disrupt F5 protein function with a positive predictive value of 80%. In summary, the available evidence is currently insufficient to determine the role of this variant in disease. Therefore, it has been classified as a Variant of Uncertain Significance.

CeGaT Center for Human Genetics Tuebingen
Classification: Uncertain significance. Last evaluated: 2025-03-01. Review status: criteria provided, single submitter. Criteria: CeGaT Center For Human Genetics Tuebingen Variant Classification Criteria Version 2. Collection method: clinical testing. Allele origin: germline. Affected: yes. Observed: 1 variant allele.

Ambry Genetics
Classification: Uncertain significance for Inborn genetic diseases. Last evaluated: 2025-02-19. Review status: criteria provided, single submitter. Criteria: Ambry Variant Classification Scheme 2023. Collection method: clinical testing. Allele origin: germline.

NM_000130.5(F5):c.4750A>C (p.Ile1584Leu)

Gene: F5 (coagulation factor V; minus strand). Cytogenetic location: 1q24.2.
Variant type: single nucleotide variant.
Coding change: c.4750A>C on transcript NM_000130.5 (MANE Select); coding-DNA position 4750, A replaced by C.
Protein change: p.Ile1584Leu; replaces isoleucine 1584 with leucine.
Molecular consequence: missense variant.
Genome position (GRCh38, 1-based): chr1:169,540,340, T>G on the plus strand (A>C on the coding strand, the complement: F5 is on the minus strand). VCF-style: chr1-169540340-T-G. GRCh37 (hg19) VCF-style: chr1-169509578-T-G.
Other names: short protein forms I1584L.
Identifiers: ClinVar variation 1742847 (VCV001742847.11), dbSNP rs746032307, ClinGen allele CA1233655.